The following is an entry in ClinVar:

ClinVar aggregate classification (germline): Conflicting classifications of pathogenicity. Review status: criteria provided, conflicting classifications (1 of 4 stars). 2 submissions from 2 submitters: Uncertain significance (1); Likely benign (1). Last evaluated 2025-09-01.

gnomAD v4.1: 27 of 1,613,556 alleles (0.0017%); highest among the groups gnomAD compares: Middle Eastern, 0.017%; 1 homozygote.

Submissions (2):

CeGaT Center for Human Genetics Tuebingen
Classification: Likely benign. Last evaluated: 2025-09-01. Review status: criteria provided, single submitter. Criteria: CeGaT Center For Human Genetics Tuebingen Variant Classification Criteria Version 2. Collection method: clinical testing. Allele origin: germline. Affected: yes. Observed: 1 variant allele.
Comment: CSMD1: BP4

Ambry Genetics
Classification: Uncertain significance. Last evaluated: 2025-05-07. Review status: criteria provided, single submitter. Criteria: Ambry Variant Classification Scheme 2023. Collection method: clinical testing. Allele origin: germline.

NM_033225.6(CSMD1):c.6229C>G (p.Leu2077Val)

Gene: CSMD1 (CUB and Sushi multiple domains 1; minus strand). Cytogenetic location: 8p23.2.
Variant type: single nucleotide variant.
Coding change: c.6229C>G on transcript NM_033225.6 (MANE Select); coding-DNA position 6229, C replaced by G.
Protein change: p.Leu2077Val; replaces leucine 2077 with valine.
Molecular consequence: missense variant.
Genome position (GRCh38, 1-based): chr8:3,142,477, G>C on the plus strand (C>G on the coding strand, the complement: CSMD1 is on the minus strand). VCF-style: chr8-3142477-G-C. GRCh37 (hg19) VCF-style: chr8-2999999-G-C.
Other names: short protein forms L2077V.
Identifiers: ClinVar variation 4007400 (VCV004007400.8).